The following is an entry in ClinVar:

ClinVar aggregate classification (germline): Pathogenic (1 of 4 stars; one submission).

Submission:

Labcorp Genetics (formerly Invitae), Labcorp
Classification: Pathogenic. Last evaluated: 2025-04-09. Review status: criteria provided, single submitter. Criteria: Invitae Variant Classification Sherloc (09022015). Collection method: clinical testing. Allele origin: germline.
Comment: This sequence change creates a premature translational stop signal (p.Lys166Serfs*56) in the TANGO2 gene. It is expected to result in an absent or disrupted protein product. Loss-of-function variants in TANGO2 are known to be pathogenic (PMID: 26805781, 26805782). This variant is not present in population databases (gnomAD no frequency). This variant has not been reported in the literature in individuals affected with TANGO2-related conditions. For these reasons, this variant has been classified as Pathogenic.

Literature cited by the submitters: PubMed 26805781; PubMed 26805782.

NM_152906.7(TANGO2):c.495del (p.Lys166fs)

Gene: TANGO2 (transport and golgi organization 2 homolog; plus strand). Cytogenetic location: 22q11.21.
Variant type: Deletion.
Coding change: c.495del on transcript NM_152906.7 (MANE Select); coding-DNA position 495, one base deleted (G; older notation c.495delG).
Protein change: p.Lys166fs; shifts the reading frame from lysine 166.
Molecular consequence: frameshift variant. On other transcripts: non-coding transcript variant (3), intron variant (4).
Genome position (GRCh38, 1-based): chr22:20,061,573, G deleted; the last of 2 consecutive G bases (chr22:20,061,572-20,061,573); deleting either gives the same sequence. VCF-style (leftmost placement, unchanged base first): chr22-20061571-AG-A. GRCh37 (hg19) VCF-style: chr22-20049094-AG-A.
Other names: c.495del, p.Lys166fs (NM_001283106.3, NM_001283116.3, NM_001283148.3 and 2 more transcripts); c.618del, p.Lys207fs (NM_001283129.3, NM_001322141.2, NM_001322143.2 and 1 more transcripts); c.309del, p.Lys104fs (NM_001283179.3, NM_001283186.3, NM_001322163.2 and 3 more transcripts); c.201del, p.Lys68fs (NM_001283235.3, NM_001322150.2, NM_001322153.2 and 6 more transcripts); c.432del, p.Lys145fs (NM_001322145.2, NM_001322147.2); c.393del, p.Lys132fs (NM_001322146.2, NM_001322148.2, NM_001322160.2); c.381-1765del (NM_001283199.3); c.575-2969del (NM_001283215.3); and 2 more; short protein forms K166fs, K68fs, K207fs, K132fs, K104fs, K145fs.
Identifiers: ClinVar variation 4716738 (VCV004716738.1).
Genomic context (GRCh38, chr22:20,061,571, plus strand): 5'-CGCTGATTGCTCCTCACAGGCACCTACGGGCTGAGCAACGCGCTGCTGGAGACTCCCTGG[AG>A]GAAGCTGTGCTTTGGGAAGCAGCTCTTCCTGGAGGCTGTGGAACGGAGCCAGGCGCTGCC-3'